The following is an entry in ClinVar:

ClinVar aggregate classification (germline): Uncertain significance. Review status: criteria provided, multiple submitters, no conflicts (2 of 4 stars). 3 submissions from 3 submitters: Uncertain significance (3). Last evaluated 2023-10-13.

Conditions:
Inborn genetic diseases. Identifiers: MedGen C0950123, MeSH D030342.
TH-deficient dopa-responsive dystonia. Also called: DYT-TH; Tyrosine Hydroxylase-Deficient Dopa-Responsive Dystonia; Segawa syndrome, autosomal recessive. Identifiers: Orphanet 101150, MedGen C2673535, MONDO:0011551, OMIM 605407.

Allele frequency attached by ClinVar (database versions not stated): gnomAD 0.00001 and 0.00003; TOPMed 0.00003; 1000 Genomes Project 0.00020; 1000 Genomes Project 30x 0.00031.
gnomAD v4.1: 53 of 1,611,684 alleles (0.0033%); highest among the groups gnomAD compares: South Asian, 0.042%; no homozygotes.

Submissions (3):

Ambry Genetics
Classification: Uncertain significance for Inborn genetic diseases. Last evaluated: 2023-10-13. Review status: criteria provided, single submitter. Criteria: Ambry Variant Classification Scheme 2023. Collection method: clinical testing. Allele origin: germline.

Labcorp Genetics (formerly Invitae), Labcorp
Classification: Uncertain significance for TH-deficient dopa-responsive dystonia. Last evaluated: 2022-09-01. Review status: criteria provided, single submitter. Criteria: Invitae Variant Classification Sherloc (09022015). Collection method: clinical testing. Allele origin: germline.
Comment: This sequence change replaces serine, which is neutral and polar, with leucine, which is neutral and non-polar, at codon 93 of the TH protein (p.Ser93Leu). This variant is present in population databases (rs574633942, gnomAD 0.04%). This variant has not been reported in the literature in individuals affected with TH-related conditions. ClinVar contains an entry for this variant (Variation ID: 623756). Advanced modeling of protein sequence and biophysical properties (such as structural, functional, and spatial information, amino acid conservation, physicochemical variation, residue mobility, and thermodynamic stability) performed at Invitae indicates that this missense variant is not expected to disrupt TH protein function. In summary, the available evidence is currently insufficient to determine the role of this variant in disease. Therefore, it has been classified as a Variant of Uncertain Significance.

CeGaT Center for Human Genetics Tuebingen
Classification: Uncertain significance. Last evaluated: 2018-04-01. Review status: criteria provided, single submitter. Criteria: CeGaT Center For Human Genetics Tuebingen Variant Classification Criteria Version 2. Collection method: clinical testing. Allele origin: germline. Affected: yes. Observed: 1 variant allele.

NM_000360.4(TH):c.185C>T (p.Ser62Leu)

Gene: TH (tyrosine hydroxylase; minus strand). Cytogenetic location: 11p15.5.
Variant type: single nucleotide variant.
Coding change: c.185C>T on transcript NM_000360.4 (MANE Select); coding-DNA position 185, C replaced by T.
Protein change: p.Ser62Leu; replaces serine 62 with leucine.
Molecular consequence: missense variant.
Genome position (GRCh38, 1-based): chr11:2,169,777, G>A on the plus strand (C>T on the coding strand, the complement: TH is on the minus strand). VCF-style: chr11-2169777-G-A. GRCh37 (hg19) VCF-style: chr11-2191007-G-A.
Other names: c.278C>T, p.Ser93Leu (NM_199292.3); c.266C>T, p.Ser89Leu (NM_199293.3); c.278C>T (NM_199292.2); short protein forms S93L, S62L, S89L.
Identifiers: ClinVar variation 623756 (VCV000623756.46), dbSNP rs574633942, ClinGen allele CA5818772.
Genomic context (GRCh38, chr11:2,169,777, plus strand): 5'-AGCACGGCCTTCCCCTCCTTCTCCTCAAAGGCCACAGCCTCCAGGGGGTCCCCGGGCTCC[G>A]AGGGGACTGCAGCGGCCGCTGCTGCCACCGCCGCCTCCCGCTCCTTGCGGGCGTCCTCGA-3'
Protein context (NP_000351.2, residues 52-72): AVAAAAAAVP[Ser62Leu]EPGDPLEAVA